The following is an entry in ClinVar:

ClinVar aggregate classification (germline): Uncertain significance (1 of 4 stars; one submission).

Allele frequency attached by ClinVar (database versions not stated): gnomAD exomes below 0.00001.

Submission:

Labcorp Genetics (formerly Invitae), Labcorp
Classification: Uncertain significance. Last evaluated: 2022-09-27. Review status: criteria provided, single submitter. Criteria: Invitae Variant Classification Sherloc (09022015). Collection method: clinical testing. Allele origin: germline.
Comment: This sequence change replaces proline, which is neutral and non-polar, with leucine, which is neutral and non-polar, at codon 2817 of the COL7A1 protein (p.Pro2817Leu). This variant is not present in population databases (gnomAD no frequency). This variant has not been reported in the literature in individuals affected with COL7A1-related conditions. Advanced modeling of protein sequence and biophysical properties (such as structural, functional, and spatial information, amino acid conservation, physicochemical variation, residue mobility, and thermodynamic stability) performed at Invitae indicates that this missense variant is not expected to disrupt COL7A1 protein function. In summary, the available evidence is currently insufficient to determine the role of this variant in disease. Therefore, it has been classified as a Variant of Uncertain Significance.

NM_000094.4(COL7A1):c.8450C>T (p.Pro2817Leu)

Gene: COL7A1 (collagen type VII alpha 1 chain; minus strand). Cytogenetic location: 3p21.31.
Variant type: single nucleotide variant.
Coding change: c.8450C>T on transcript NM_000094.4 (MANE Select); coding-DNA position 8450, C replaced by T.
Protein change: p.Pro2817Leu; replaces proline 2817 with leucine.
Molecular consequence: missense variant.
Genome position (GRCh38, 1-based): chr3:48,565,487, G>A on the plus strand (C>T on the coding strand, the complement: COL7A1 is on the minus strand). VCF-style: chr3-48565487-G-A. GRCh37 (hg19) VCF-style: chr3-48602920-G-A.
Other names: short protein forms P2817L.
Identifiers: ClinVar variation 2155547 (VCV002155547.1), dbSNP rs2530802752, ClinGen allele CA352635254.